The following is an entry in ClinVar:

NM_001256864.2(DNAJC6):c.2480C>T (p.Ser827Leu)

Gene: DNAJC6 (DnaJ heat shock protein family (Hsp40) member C6; plus strand). Cytogenetic location: 1p31.3.
Variant type: single nucleotide variant.
Coding change: c.2480C>T on transcript NM_001256864.2 (MANE Select); coding-DNA position 2480, C replaced by T.
Protein change: p.Ser827Leu; replaces serine 827 with leucine.
Molecular consequence: missense variant.
Genome position (GRCh38, 1-based): chr1:65,406,122, C>T. VCF-style: chr1-65406122-C-T. GRCh37 (hg19) VCF-style: chr1-65871805-C-T.
Other names: c.2480C>T (NM_001256864.1); c.2270C>T, p.Ser757Leu (NM_001256865.2); c.2309C>T, p.Ser770Leu (NM_014787.4); short protein forms S827L, S770L, S757L.
Identifiers: ClinVar variation 2384831 (VCV002384831.3), dbSNP rs200310838, ClinGen allele CA894168.

ClinVar aggregate classification (germline): Uncertain significance. Review status: criteria provided, multiple submitters, no conflicts (2 of 4 stars). 2 submissions from 2 submitters: Uncertain significance (2). Last evaluated 2025-05-01.

Conditions:
Inborn genetic diseases. Identifiers: MedGen C0950123, MeSH D030342.

Allele frequency attached by ClinVar (database versions not stated): gnomAD exomes 0.00002; gnomAD 0.00003; ExAC 0.00004; ESP Exome Variant Server 0.00008.
gnomAD v4.1: 34 of 1,613,582 alleles (0.0021%); highest among the groups gnomAD compares: Non-Finnish European, 0.0027%; no homozygotes.

Submissions (2):

GeneDx
Classification: Uncertain significance. Last evaluated: 2025-05-01. Review status: criteria provided, single submitter. Criteria: GeneDx Variant Classification Process June 2021. Collection method: clinical testing. Allele origin: germline. Affected: yes.
Comment: Not observed at significant frequency in large population cohorts (gnomAD); In silico analysis suggests that this missense variant does not alter protein structure/function; Has not been previously published as pathogenic or benign to our knowledge

Ambry Genetics
Classification: Uncertain significance for Inborn genetic diseases. Last evaluated: 2022-09-06. Review status: criteria provided, single submitter. Criteria: Ambry Variant Classification Scheme 2023. Collection method: clinical testing. Allele origin: germline.